The following is an entry in ClinVar:

ClinVar aggregate classification (germline): Uncertain significance (1 of 4 stars; one submission).

Conditions:
Neuropathy, hereditary sensory, type 2C. Also called: KIF1A-Related HSAN2 (HSAN2C); Hereditary sensory and autonomic neuropathy type IIC. Identifiers: Orphanet 970, MedGen C3280168, MONDO:0013634, OMIM 614213.
Hereditary spastic paraplegia 30. Identifiers: Orphanet 101010, MedGen C5235139, MONDO:0012476.
Intellectual disability, autosomal dominant 9 (NESCAVS). Also called: KIF1A-Related Neurodevelopmental Disorder; NESCAV SYNDROME. Identifiers: Orphanet 662367, MedGen C5393830, MONDO:0013656, OMIM 614255.

gnomAD v4.1: 4 of 1,602,636 alleles (0.00025%); highest among the groups gnomAD compares: African/African-American, 0.0053%; no homozygotes.

Submission:

Labcorp Genetics (formerly Invitae), Labcorp
Classification: Uncertain significance for Hereditary spastic paraplegia 30; Neuropathy, hereditary sensory, type 2C; Intellectual disability, autosomal dominant 9. Last evaluated: 2025-04-13. Review status: criteria provided, single submitter. Criteria: Invitae Variant Classification Sherloc (09022015). Collection method: clinical testing. Allele origin: germline.
Comment: This sequence change replaces proline, which is neutral and non-polar, with leucine, which is neutral and non-polar, at codon 969 of the KIF1A protein (p.Pro969Leu). This variant is not present in population databases (gnomAD no frequency). This variant has not been reported in the literature in individuals affected with KIF1A-related conditions. Invitae Evidence Modeling of protein sequence and biophysical properties (such as structural, functional, and spatial information, amino acid conservation, physicochemical variation, residue mobility, and thermodynamic stability) indicates that this missense variant is not expected to disrupt KIF1A protein function with a negative predictive value of 95%. In summary, the available evidence is currently insufficient to determine the role of this variant in disease. Therefore, it has been classified as a Variant of Uncertain Significance.

NM_001244008.2(KIF1A):c.3209C>T (p.Pro1070Leu)

Gene: KIF1A (kinesin family member 1A; minus strand). Cytogenetic location: 2q37.3.
Variant type: single nucleotide variant.
Coding change: c.3209C>T on transcript NM_001244008.2 (MANE Select); coding-DNA position 3209, C replaced by T.
Protein change: p.Pro1070Leu; replaces proline 1070 with leucine.
Molecular consequence: missense variant.
Genome position (GRCh38, 1-based): chr2:240,745,903, G>A on the plus strand (C>T on the coding strand, the complement: KIF1A is on the minus strand). VCF-style: chr2-240745903-G-A. GRCh37 (hg19) VCF-style: chr2-241685320-G-A.
Other names: c.2933C>T, p.Pro978Leu (NM_001320705.2, NM_001330289.2, NM_001379638.1); c.3008C>T, p.Pro1003Leu (NM_001330290.2, NM_001379634.1, NM_001379635.1 and 1 more transcripts); c.3284C>T, p.Pro1095Leu (NM_001379631.1); c.3158C>T, p.Pro1053Leu (NM_001379632.1); c.3182C>T, p.Pro1061Leu (NM_001379633.1, NM_001379642.1, NM_001379645.1); c.2906C>T, p.Pro969Leu (NM_001379636.1, NM_001379639.1, NM_001379641.1 and 5 more transcripts); c.2981C>T, p.Pro994Leu (NM_001379637.1, NM_001379648.1); c.2903C>T, p.Pro968Leu (NM_001379640.1); short protein forms P1053L, P968L, P978L, P1070L, P1095L, P969L, P994L, P1061L.
Identifiers: ClinVar variation 4794904 (VCV004794904.1).